The following is an entry in ClinVar:

NM_001264.5(CDSN):c.1174T>C (p.Ser392Pro)

Genes: CDSN (corneodesmosin; minus strand), PSORS1C1 (psoriasis susceptibility 1 candidate 1; plus strand). Cytogenetic location: 6p21.33.
Variant type: single nucleotide variant.
Coding change: c.1174T>C on transcript NM_001264.5 (MANE Select); coding-DNA position 1174, T replaced by C.
Protein change: p.Ser392Pro; replaces serine 392 with proline.
Molecular consequence: missense variant. On other transcripts: intron variant (1).
Genome position (GRCh38, 1-based): chr6:31,116,441, A>G on the plus strand (T>C on the coding strand, the complement: CDSN is on the minus strand). VCF-style: chr6-31116441-A-G. GRCh37 (hg19) VCF-style: chr6-31084218-A-G.
Other names: c.-229+1550A>G (NM_014068.3); short protein forms S392P.
Identifiers: ClinVar variation 450354 (VCV000450354.2), dbSNP rs1554338499, ClinGen allele CA363313923.
Genomic context (GRCh38, chr6:31,116,441, plus strand): 5'-AGGGTAAACCGGAGCTGCTGGAAATGCTAGAACTGCTGGGGACTCGAGAACTGGAGGGAG[A>G]GCAGGGTCCCTTGGAGCCCGTGGAGCCGCCTCCACAGAGCTGGACCCCACCAGTCCCCAC-3'
Protein context (NP_001255.4, residues 382-402): GGSTGSKGPC[Ser392Pro]PSSSRVPSSS

ClinVar aggregate classification (germline): Uncertain significance (1 of 4 stars; one submission).

Submission:

GeneDx
Classification: Uncertain significance. Last evaluated: 2017-07-04. Review status: criteria provided, single submitter. Criteria: GeneDx Variant Classification (06012015). Collection method: clinical testing. Allele origin: germline. Affected: yes.
Comment: The S392P variant in the CDSN gene has not been reported previously as a pathogenic variant, nor as a benign variant, to our knowledge. The S392P variant is not observed in large population cohorts (Lek et al., 2016; 1000 Genomes Consortium et al., 2015; Exome Variant Server). The S392P variant is a non-conservative amino acid substitution, which is likely to impact secondary protein structure as these residues differ in polarity, charge, size and/or other properties. However, this substitution occurs at a position that is not conserved, and in silico analysis is inconsistent in its predictions as to whether or not the variant is damaging to the protein structure/function. We interpret S392P as a variant of uncertain significance.